The following is an entry in ClinVar:

NM_000322.5(PRPH2):c.141_222del (p.Arg48fs)

Gene: PRPH2 (peripherin 2; minus strand). Cytogenetic location: 6p21.1.
Variant type: Deletion.
Coding change: c.141_222del on transcript NM_000322.5 (MANE Select); coding-DNA positions 141 to 222, 82 bases deleted.
Protein change: p.Arg48fs; shifts the reading frame from arginine 48.
Molecular consequence: frameshift variant.
Genome position (GRCh38, 1-based): chr6:42,722,113-42,722,194, 82 bases deleted. GRCh37 (hg19): chr6:42,689,851-42,689,932.
Other names: short protein forms R48fs.
Identifiers: ClinVar variation 1351097 (VCV001351097.6), dbSNP rs2152011045, ClinGen allele CA2573140737.

ClinVar aggregate classification (germline): Pathogenic (1 of 4 stars; one submission).

Conditions:
PRPH2-related disorder. Also called: PRPH2-related disorders; PRPH2-related condition. Identifiers: MedGen CN239395.

Submission:

Labcorp Genetics (formerly Invitae), Labcorp
Classification: Pathogenic for PRPH2-related disorder. Last evaluated: 2021-07-17. Review status: criteria provided, single submitter. Criteria: Invitae Variant Classification Sherloc (09022015). Collection method: clinical testing. Allele origin: germline.
Comment: For these reasons, this variant has been classified as Pathogenic. This variant has not been reported in the literature in individuals affected with PRPH2-related conditions. This variant is not present in population databases (ExAC no frequency). This sequence change creates a premature translational stop signal (p.Arg48Thrfs*24) in the PRPH2 gene. It is expected to result in an absent or disrupted protein product. Loss-of-function variants in PRPH2 are known to be pathogenic (PMID: 8111389, 8485575, 8485576, 8675410, 16916875, 17504850, 25675413, 26061163, 27365499, 29555955).

Literature cited by the submitters: PubMed 8111389; PubMed 8485575; PubMed 8485576; PubMed 8675410; PubMed 16916875; PubMed 17504850; PubMed 25675413; PubMed 26061163; PubMed 27365499; PubMed 29555955.